The following is an entry in ClinVar:

NM_002691.4(POLD1):c.1286C>G (p.Ser429Cys)

Gene: POLD1 (DNA polymerase delta 1, catalytic subunit; plus strand). Cytogenetic location: 19q13.33.
Variant type: single nucleotide variant.
Coding change: c.1286C>G on transcript NM_002691.4 (MANE Select); coding-DNA position 1286, C replaced by G.
Protein change: p.Ser429Cys; replaces serine 429 with cysteine.
Molecular consequence: missense variant. On other transcripts: non-coding transcript variant (1).
Genome position (GRCh38, 1-based): chr19:50,406,225, C>G. VCF-style: chr19-50406225-C-G. GRCh37 (hg19) VCF-style: chr19-50909482-C-G.
Other names: c.1286C>G, p.Ser429Cys (NM_001256849.1, NM_001308632.1); short protein forms S429C.
Identifiers: ClinVar variation 3308297 (VCV003308297.1).
Genomic context (GRCh38, chr19:50,406,225, plus strand): 5'-CTGCCTCTCCTCCTCAGGTACAAACATTCCCTTTCCTGGGCCGTGTGGCCGGCCTTTGCT[C>G]CAACATCCGGGACTCTTCATTCCAGTCCAAGCAGACGGGCCGGCGGGACACCAAGGTTGT-3'
Protein context (NP_002682.2, residues 419-439): PFLGRVAGLC[Ser429Cys]NIRDSSFQSK

ClinVar aggregate classification (germline): Uncertain significance (1 of 4 stars; one submission).

Conditions:
Hereditary cancer-predisposing syndrome. Also called: Tumor predisposition; Hereditary Cancer Syndrome; Hereditary neoplastic syndrome; Neoplastic Syndromes, Hereditary. Identifiers: Orphanet 140162, MedGen C0027672, MeSH D009386, MONDO:0015356.

gnomAD v4.1: 1 of 1,614,044 alleles (0.000062%); highest among the groups gnomAD compares: Non-Finnish European, 0.000085%; no homozygotes.

Submission:

Ambry Genetics
Classification: Uncertain significance for Hereditary cancer-predisposing syndrome. Last evaluated: 2024-05-16. Review status: criteria provided, single submitter. Criteria: Ambry Variant Classification Scheme 2023. Collection method: clinical testing. Allele origin: germline.
Comment: The p.S429C variant (also known as c.1286C>G), located in coding exon 10 of the POLD1 gene, results from a C to G substitution at nucleotide position 1286. The serine at codon 429 is replaced by cysteine, an amino acid with dissimilar properties. This amino acid position is conserved. In addition, this alteration is predicted to be tolerated by in silico analysis. Based on the available evidence, the clinical significance of this variant remains unclear.